The following is an entry in ClinVar:

ClinVar aggregate classification (germline): Uncertain significance. Review status: criteria provided, multiple submitters, no conflicts (2 of 4 stars). 2 submissions from 2 submitters: Uncertain significance (2). Last evaluated 2026-03-10.

Conditions:
NTRK2-related disorder. Also called: NTRK2-related condition.

Allele frequency attached by ClinVar (database versions not stated): ExAC 0.00007; gnomAD 0.00007 and 0.00008; gnomAD exomes 0.00007 and 0.00014; TOPMed 0.00008.
gnomAD v4.1: 211 of 1,613,940 alleles (0.013%); highest among the groups gnomAD compares: Non-Finnish European, 0.017%; no homozygotes.

Submissions (2):

PreventionGenetics, part of Exact Sciences
Classification: Uncertain significance for NTRK2-related condition. Last evaluated: 2026-03-10. Review status: criteria provided, single submitter. Criteria: ACMG Guidelines, 2015. Collection method: clinical testing. Allele origin: germline.
Comment: The NTRK2 c.100A>G variant is predicted to result in the amino acid substitution p.Thr34Ala. To our knowledge, this variant has not been reported in the literature. This variant is reported in 0.015% of alleles in individuals of European (Non-Finnish) descent in gnomAD, which is more common than expected for an undocumented cause of disease. In multiple species an alanine (Ala) is present at the Thr34 residue. Although we suspect that this variant may be benign, at time the clinical significance is uncertain due to the absence of conclusive functional and genetic evidence.

Labcorp Genetics (formerly Invitae), Labcorp
Classification: Uncertain significance. Last evaluated: 2025-11-12. Review status: criteria provided, single submitter. Criteria: Invitae Variant Classification Sherloc (09022015). Collection method: clinical testing. Allele origin: germline.
Comment: This sequence change replaces threonine, which is neutral and polar, with alanine, which is neutral and non-polar, at codon 34 of the NTRK2 protein (p.Thr34Ala). This variant is present in population databases (rs143073407, gnomAD 0.02%). This variant has not been reported in the literature in individuals affected with NTRK2-related conditions. ClinVar contains an entry for this variant (Variation ID: 1406038). An algorithm developed to predict the effect of missense changes on protein structure and function outputs the following: PolyPhen-2: "Benign". The alanine amino acid residue is found in multiple mammalian species, which suggests that this missense change does not adversely affect protein function. In summary, the available evidence is currently insufficient to determine the role of this variant in disease. Therefore, it has been classified as a Variant of Uncertain Significance.

NM_006180.6(NTRK2):c.100A>G (p.Thr34Ala)

Gene: NTRK2 (neurotrophic receptor tyrosine kinase 2; plus strand). Cytogenetic location: 9q21.33.
Variant type: single nucleotide variant.
Coding change: c.100A>G on transcript NM_006180.6 (MANE Select); coding-DNA position 100, A replaced by G.
Protein change: p.Thr34Ala; replaces threonine 34 with alanine.
Molecular consequence: missense variant.
Genome position (GRCh38, 1-based): chr9:84,670,848, A>G. VCF-style: chr9-84670848-A-G. GRCh37 (hg19) VCF-style: chr9-87285763-A-G.
Other names: c.100A>G, p.Thr34Ala (NM_001007097.3, NM_001018064.3, NM_001018065.2 and 18 more transcripts); c.100A>G (NM_006180.4); short protein forms T34A.
Identifiers: ClinVar variation 1406038 (VCV001406038.7), dbSNP rs143073407, ClinGen allele CA5105406.